The following is an entry in ClinVar:

ClinVar aggregate classification (germline): Pathogenic/Likely pathogenic. Review status: criteria provided, multiple submitters, no conflicts (2 of 4 stars). 2 submissions from 2 submitters: Pathogenic (1); Likely pathogenic (1). Last evaluated 2023-01-26.

Conditions:
Neurodegeneration with brain iron accumulation 5 (NBIA5). Also called: Beta-propeller protein-associated neurodegeneration; STATIC ENCEPHALOPATHY OF CHILDHOOD WITH NEURODEGENERATION IN ADULTHOOD. Identifiers: Orphanet 329284, MedGen C3550973, MONDO:0010476, OMIM 300894.

Submissions (2):

Illumina Laboratory Services, Illumina
Classification: Pathogenic for Neurodegeneration with brain iron accumulation 5. Last evaluated: 2023-01-26. Review status: criteria provided, single submitter. Criteria: ICSLVariantClassificationCriteria RUGD 01 April 2020. Collection method: clinical testing. Allele origin: unknown.
Comment: The WDR45 c.976+1G>A variant results in the substitution of a guanine within the consensus splice donor site with an adenine, which may result in splicing defects. This variant has been reported in a de novo state in an individual with developmental delay, intellectual disability, infantile spasms, epilepsy, and facial dysmorphism (PMID: 28554332). A different nucleotide change at the same position, c.976+1G>C, has also been reported in a de novo state in two individuals with features consistent with neurodegeneration with brain iron accumulation (PMID: 33037762; PMID: 31665836). The c.976+1G>A variant is not found in version 2.1.1 or version 3.1.2 of the Genome Aggregation Database and was identified in a de novo state. Based on the available evidence, the c.976+1G>A variant is classified as pathogenic for neurodegeneration with brain iron accumulation.

HudsonAlpha Institute for Biotechnology
Classification: Likely pathogenic for Neurodegeneration with brain iron accumulation 5. Last evaluated: 2014-04-10. Review status: criteria provided, single submitter. Criteria: HA_assertions_20161101. Collection method: research. Allele origin: de novo. Affected: yes. Observed: 1 variant allele. Study: CSER-HudsonAlpha.

Literature cited by the submitters: PubMed 28554332 (cited by Illumina Laboratory Services, Illumina); PubMed 33037762 (cited by Illumina Laboratory Services, Illumina); PubMed 31665836 (cited by Illumina Laboratory Services, Illumina).

NM_001029896.2(WDR45):c.973+1G>A

Gene: WDR45 (WD repeat domain 45; minus strand). Cytogenetic location: Xp11.23.
Variant type: single nucleotide variant.
Coding change: c.973+1G>A on transcript NM_001029896.2 (MANE Select); the canonical splice donor site of the intron after coding-DNA position 973, G replaced by A.
Molecular consequence: splice donor variant.
Genome position (GRCh38, 1-based): chrX:49,075,135, C>T on the plus strand (G>A on the coding strand, the complement: WDR45 is on the minus strand). VCF-style: chrX-49075135-C-T. GRCh37 (hg19) VCF-style: chrX-48932794-C-T.
Other names: c.976+1G>A (NM_007075.4).
Identifiers: ClinVar variation 224075 (VCV000224075.3), dbSNP rs869312661, ClinGen allele CA353447.